The following is an entry in ClinVar:

ClinVar aggregate classification (germline): Likely benign (1 of 4 stars; one submission).

Allele frequency attached by ClinVar (database versions not stated): gnomAD exomes 0.00063; gnomAD 0.00675 and 0.00717; TOPMed 0.00785; 1000 Genomes Project 0.00919; 1000 Genomes Project 30x 0.00921.
gnomAD v4.1: 1,811 of 1,341,890 alleles (0.13%); highest among the groups gnomAD compares: African/African-American, 2.3%; 23 homozygotes.

Submission:

GeneDx
Classification: Likely benign. Last evaluated: 2018-06-19. Review status: criteria provided, single submitter. Criteria: GeneDx Variant Classification (06012015). Collection method: clinical testing. Allele origin: germline. Affected: yes.
Comment: This variant is considered likely benign or benign based on one or more of the following criteria: it is a conservative change, it occurs at a poorly conserved position in the protein, it is predicted to be benign by multiple in silico algorithms, and/or has population frequency not consistent with disease.

NM_001130987.2(DYSF):c.1494-76G>A

Gene: DYSF (dysferlin; plus strand). Cytogenetic location: 2p13.2.
Variant type: single nucleotide variant.
Coding change: c.1494-76G>A on transcript NM_001130987.2 (MANE Select); 76 bases into the intron before coding-DNA position 1494, G replaced by A.
Molecular consequence: intron variant.
Genome position (GRCh38, 1-based): chr2:71,539,081, G>A. VCF-style: chr2-71539081-G-A. GRCh37 (hg19) VCF-style: chr2-71766211-G-A.
Other names: c.1491-76G>A (NM_001130979.2, NM_001130981.2, NM_001130980.2); c.1398-76G>A (NM_001130978.2, NM_003494.4, NM_001130977.2 and 1 more transcripts); c.1494-76G>A (NM_001130982.2, NM_001130985.2); c.1401-76G>A (NM_001130983.2, NM_001130455.2, NM_001130984.2 and 1 more transcripts).
Identifiers: ClinVar variation 678976 (VCV000678976.1), dbSNP rs140952123, ClinGen allele CA49782625.